The following is an entry in ClinVar:

ClinVar aggregate classification (germline): Benign/Likely benign. Review status: criteria provided, multiple submitters, no conflicts (2 of 4 stars). 4 submissions from 4 submitters: Benign (1); Likely benign (3). Last evaluated 2025-02-03.

Conditions:
Hereditary nonpolyposis colorectal neoplasms. Identifiers: MedGen C0009405, MeSH D003123.
Hereditary cancer-predisposing syndrome. Also called: Neoplastic Syndromes, Hereditary; Hereditary Cancer Syndrome; Tumor predisposition; Hereditary neoplastic syndrome. Identifiers: Orphanet 140162, MedGen C0027672, MeSH D009386, MONDO:0015356.
Lynch syndrome 4 (LYNCH4). Also called: Colorectal cancer, hereditary nonpolyposis, type 4; Hereditary non-polyposis colorectal cancer, type 4. Identifiers: Orphanet 144, MedGen C1838333, MONDO:0013699, OMIM 614337. Disease mechanism: loss of function.

Allele frequency attached by ClinVar (database versions not stated): TOPMed below 0.00001; gnomAD 0.00001.

Submissions (4):

Myriad Genetics, Inc.
Classification: Benign for Lynch syndrome 4. Last evaluated: 2025-02-03. Review status: criteria provided, single submitter. Criteria: Myriad Autosomal Dominant, Autosomal Recessive and X-Linked Classification Criteria (2023). Collection method: clinical testing. Allele origin: unknown.
Comment: This variant is considered benign. This variant is a silent/synonymous amino acid change and it is not expected to impact splicing.

Labcorp Genetics (formerly Invitae), Labcorp
Classification: Likely benign for Hereditary nonpolyposis colorectal neoplasms. Last evaluated: 2024-10-21. Review status: criteria provided, single submitter. Criteria: Invitae Variant Classification Sherloc (09022015). Collection method: clinical testing. Allele origin: germline.

Color Diagnostics, LLC DBA Color Health
Classification: Likely benign for Hereditary cancer-predisposing syndrome. Last evaluated: 2022-12-05. Review status: criteria provided, single submitter. Criteria: ACMG Guidelines, 2015. Collection method: clinical testing. Allele origin: germline.

Ambry Genetics
Classification: Likely benign for Hereditary cancer-predisposing syndrome. Last evaluated: 2021-10-11. Review status: criteria provided, single submitter. Criteria: Ambry Variant Classification Scheme 2023. Collection method: clinical testing. Allele origin: germline.

NM_000535.7(PMS2):c.2050C>T (p.Leu684=)

Gene: PMS2 (PMS1 homolog 2, mismatch repair system component; minus strand). Cytogenetic location: 7p22.1.
Variant type: single nucleotide variant.
Coding change: c.2050C>T on transcript NM_000535.7 (MANE Select); coding-DNA position 2050, C replaced by T.
Protein change: p.Leu684=; no amino-acid change (leucine 684 retained).
Molecular consequence: synonymous variant. On other transcripts: non-coding transcript variant (1).
Genome position (GRCh38, 1-based): chr7:5,982,948, G>A on the plus strand (C>T on the coding strand, the complement: PMS2 is on the minus strand). VCF-style: chr7-5982948-G-A. GRCh37 (hg19) VCF-style: chr7-6022579-G-A.
Other names: c.1645C>T, p.Leu549= (NM_001322003.2, NM_001322004.2, NM_001322005.2 and 1 more transcripts); c.1894C>T, p.Leu632= (NM_001322006.2); c.1732C>T, p.Leu578= (NM_001322007.2, NM_001322008.2); c.1489C>T, p.Leu497= (NM_001322010.2); c.1117C>T, p.Leu373= (NM_001322011.2, NM_001322012.2); c.1477C>T, p.Leu493= (NM_001322013.2); c.2050C>T, p.Leu684= (NM_001322014.2); c.1741C>T, p.Leu581= (NM_001322015.2).
Identifiers: ClinVar variation 743295 (VCV000743295.15), dbSNP rs1410726810, ClinGen allele CA453643457.